The following is an entry in ClinVar:

NM_021930.6(RINT1):c.2035G>T (p.Val679Leu)

Genes: EFCAB10 (EF-hand calcium binding domain 10; minus strand), RINT1 (RAD50 interactor 1; plus strand). Cytogenetic location: 7q22.3.
Variant type: single nucleotide variant.
Coding change: c.2035G>T on transcript NM_021930.6 (MANE Select); coding-DNA position 2035, G replaced by T.
Protein change: p.Val679Leu; replaces valine 679 with leucine.
Molecular consequence: missense variant. On other transcripts: 3 prime UTR variant (2), non-coding transcript variant (1).
Genome position (GRCh38, 1-based): chr7:105,565,425, G>T. VCF-style: chr7-105565425-G-T. GRCh37 (hg19) VCF-style: chr7-105205872-G-T.
Other names: c.*22C>A (NM_001355526.2); c.*124C>A (NM_001355530.2); c.382C>A, p.Gln128Lys (NM_001355531.2); c.1801G>T, p.Val601Leu (NM_001346599.2); c.1012G>T, p.Val338Leu (NM_001346600.2, NM_001346603.2); c.1111G>T, p.Val371Leu (NM_001346601.2); short protein forms Q128K, V338L, V371L, V601L, V679L.
Identifiers: ClinVar variation 3227630 (VCV003227630.1), dbSNP rs1202080769, ClinGen allele CA368814949.

ClinVar aggregate classification (germline): Uncertain significance (1 of 4 stars; one submission).

Submission:

Ambry Genetics
Classification: Uncertain significance. Last evaluated: 2024-02-22. Review status: criteria provided, single submitter. Criteria: Ambry Variant Classification Scheme 2023. Collection method: clinical testing. Allele origin: germline.
Comment: The p.V679L variant (also known as c.2035G>T), located in coding exon 13 of the RINT1 gene, results from a G to T substitution at nucleotide position 2035. The valine at codon 679 is replaced by leucine, an amino acid with highly similar properties. This amino acid position is conserved. In addition, this alteration is predicted to be tolerated by in silico analysis. Based on the available evidence, the clinical significance of this alteration remains unclear.